The following is an entry in ClinVar:

ClinVar aggregate classification (germline): Uncertain significance (1 of 4 stars; one submission).

Conditions:
Epidermolysis bullosa simplex with nail dystrophy (EBS5D). Identifiers: MedGen C4225309, MONDO:0014661, OMIM 616487.
Epidermolysis bullosa simplex 5B, with muscular dystrophy (EBS5B). Also called: EPIDERMOLYSIS BULLOSA SIMPLEX AND LIMB-GIRDLE MUSCULAR DYSTROPHY; Epidermolysis bullosa simplex with muscular dystrophy. Identifiers: Orphanet 257, MedGen C2931072, MONDO:0009181, OMIM 226670.
Epidermolysis bullosa simplex 5C, with pyloric atresia (EBS5C). Also called: PLEC-Related Epidermolysis Bullosa with Pyloric Atresia; Epidermolysis bullosa simplex with pyloric atresia; PLEC1-Related Epidermolysis Bullosa with Pyloric Atresia. Identifiers: Orphanet 158684, MedGen C2677349, MONDO:0012807, OMIM 612138.
Autosomal recessive limb-girdle muscular dystrophy type 2Q (LGMDR17). Also called: MUSCULAR DYSTROPHY, LIMB-GIRDLE, AUTOSOMAL RECESSIVE 17. Identifiers: Orphanet 254361, MedGen C3150989, MONDO:0013390, OMIM 613723.
Epidermolysis bullosa simplex, Ogna type (EBS5A). Also called: Pidermolysis bullosa simplex 5A, Ogna type; EPIDERMOLYSIS BULLOSA SIMPLEX 5A, OGNA TYPE. Identifiers: Orphanet 79401, MedGen C0432317, MONDO:0007555, OMIM 131950.

Allele frequency attached by ClinVar (database versions not stated): gnomAD exomes below 0.00001; TOPMed below 0.00001.
gnomAD v4.1: 3 of 1,612,548 alleles (0.00019%); highest among the groups gnomAD compares: Admixed American, 0.0017%; no homozygotes.

Submission:

Labcorp Genetics (formerly Invitae), Labcorp
Classification: Uncertain significance for Autosomal recessive limb-girdle muscular dystrophy type 2Q; Epidermolysis bullosa simplex, Ogna type; Epidermolysis bullosa simplex with nail dystrophy; Epidermolysis bullosa simplex 5C, with pyloric atresia; Epidermolysis bullosa simplex 5B, with muscular dystrophy. Last evaluated: 2025-01-23. Review status: criteria provided, single submitter. Criteria: Invitae Variant Classification Sherloc (09022015). Collection method: clinical testing. Allele origin: germline.
Comment: This sequence change falls in intron 7 of the PLEC gene. It does not directly change the encoded amino acid sequence of the PLEC protein. It affects a nucleotide within the consensus splice site. This variant is present in population databases (no rsID available, gnomAD 0.003%). This variant has not been reported in the literature in individuals affected with PLEC-related conditions. ClinVar contains an entry for this variant (Variation ID: 2928066). Variants that disrupt the consensus splice site are a relatively common cause of aberrant splicing (PMID: 17576681, 9536098). Algorithms developed to predict the effect of sequence changes on RNA splicing suggest that this variant is not likely to affect RNA splicing. In summary, the available evidence is currently insufficient to determine the role of this variant in disease. Therefore, it has been classified as a Variant of Uncertain Significance.

Literature cited by the submitters: PubMed 17576681; PubMed 9536098.

NM_201384.3(PLEC):c.602+6T>C

Gene: PLEC (plectin; minus strand). Cytogenetic location: 8q24.3.
Variant type: single nucleotide variant.
Coding change: c.602+6T>C on transcript NM_201384.3 (MANE Select); 6 bases into the intron after coding-DNA position 602, T replaced by C.
Molecular consequence: intron variant.
Genome position (GRCh38, 1-based): chr8:143,935,842, A>G on the plus strand (T>C on the coding strand, the complement: PLEC is on the minus strand). VCF-style: chr8-143935842-A-G. GRCh37 (hg19) VCF-style: chr8-145010010-A-G.
Other names: c.683+6T>C (NM_001410941.1, NM_000445.5); c.560+6T>C (NM_201378.4); c.536+6T>C (NM_201379.3); c.1013+6T>C (NM_201380.4); c.506+6T>C (NM_201381.3); c.602+6T>C (NM_201382.4); c.614+6T>C (NM_201383.3).
Identifiers: ClinVar variation 2928066 (VCV002928066.3), dbSNP rs1554722713, ClinGen allele CA585808901.
Genomic context (GRCh38, chr8:143,935,842, plus strand): 5'-GTTGCCTAGTGGAGGCGCTGTGGGGGTGCCCCCAGCCCACAGCCCCCTGCCCCCGGGGCC[A>G]TGTACTTGTGCCGGTGGATGATGGCATTGAAGAGGCGGCCGTCTCTCCAGCTGGAGGTGA-3'